The following is an entry in ClinVar:

ClinVar aggregate classification (germline): Uncertain significance. Review status: criteria provided, multiple submitters, no conflicts (2 of 4 stars). 2 submissions from 2 submitters: Uncertain significance (2). Last evaluated 2025-10-26.

Conditions:
Norman-Roberts syndrome (LIS2). Also called: Lissencephaly 2 (Norman-Roberts type). Identifiers: Orphanet 89844, MedGen C0796089, MONDO:0009760, OMIM 257320.
Familial temporal lobe epilepsy 7. Identifiers: Orphanet 101046, MedGen C4225327, MONDO:0014639, OMIM 616436.
Inborn genetic diseases. Identifiers: MedGen C0950123, MeSH D030342.

Allele frequency attached by ClinVar (database versions not stated): TOPMed 0.00002.
gnomAD v4.1: 12 of 1,614,022 alleles (0.00074%); highest among the groups gnomAD compares: Non-Finnish European, 0.001%; no homozygotes.

Submissions (2):

Labcorp Genetics (formerly Invitae), Labcorp
Classification: Uncertain significance for Familial temporal lobe epilepsy 7; Norman-Roberts syndrome. Last evaluated: 2025-10-26. Review status: criteria provided, single submitter. Criteria: Invitae Variant Classification Sherloc (09022015). Collection method: clinical testing. Allele origin: germline.
Comment: This sequence change replaces valine, which is neutral and non-polar, with isoleucine, which is neutral and non-polar, at codon 2411 of the RELN protein (p.Val2411Ile). This variant is not present in population databases (gnomAD no frequency). This variant has not been reported in the literature in individuals affected with RELN-related conditions. ClinVar contains an entry for this variant (Variation ID: 999706). Invitae Evidence Modeling of protein sequence and biophysical properties (such as structural, functional, and spatial information, amino acid conservation, physicochemical variation, residue mobility, and thermodynamic stability) indicates that this missense variant is not expected to disrupt RELN protein function with a negative predictive value of 80%. In summary, the available evidence is currently insufficient to determine the role of this variant in disease. Therefore, it has been classified as a Variant of Uncertain Significance.

Ambry Genetics
Classification: Uncertain significance for Inborn genetic diseases. Last evaluated: 2024-02-28. Review status: criteria provided, single submitter. Criteria: Ambry Variant Classification Scheme 2023. Collection method: clinical testing. Allele origin: germline.

NM_005045.4(RELN):c.7231G>A (p.Val2411Ile)

Gene: RELN (reelin; minus strand). Cytogenetic location: 7q22.1.
Variant type: single nucleotide variant.
Coding change: c.7231G>A on transcript NM_005045.4 (MANE Select); coding-DNA position 7231, G replaced by A.
Protein change: p.Val2411Ile; replaces valine 2411 with isoleucine.
Molecular consequence: missense variant.
Genome position (GRCh38, 1-based): chr7:103,535,434, C>T on the plus strand (G>A on the coding strand, the complement: RELN is on the minus strand). VCF-style: chr7-103535434-C-T. GRCh37 (hg19) VCF-style: chr7-103175881-C-T.
Other names: c.7231G>A, p.Val2411Ile (NM_173054.3); c.7231G>A (NM_005045.3); short protein forms V2411I.
Identifiers: ClinVar variation 999706 (VCV000999706.9), dbSNP rs375160285, ClinGen allele CA163938675.